The following is an entry in ClinVar:

ClinVar aggregate classification (germline): Conflicting classifications of pathogenicity. Review status: criteria provided, conflicting classifications (1 of 4 stars). 5 submissions from 5 submitters: Uncertain significance (1); Likely benign (3). 1 of the submissions does not count toward it. Last evaluated 2026-04-01.

Conditions:
Hyperaldosteronism, familial, type IV (HALD4). Also called: FH IV; ALDOSTERONISM, PRIMARY, AND HYPERTENSION. Identifiers: Orphanet 642671, MedGen C4310756, MONDO:0014875, OMIM 617027.
Idiopathic generalized epilepsy. Also called: Generalised epilepsy; EIG. Identifiers: MedGen C0270850, MONDO:0005579, OMIM 600669.
CACNA1H-related disorder.

Allele frequency attached by ClinVar (database versions not stated): ESP Exome Variant Server 0.00008; 1000 Genomes Project 0.00040; TOPMed 0.00047; gnomAD exomes 0.00057 and 0.00041; 1000 Genomes Project 30x 0.00047; ExAC 0.00101; gnomAD 0.00032.

Submissions (5):

CeGaT Center for Human Genetics Tuebingen
Classification: Likely benign. Last evaluated: 2026-04-01. Review status: criteria provided, single submitter. Criteria: CeGaT Center For Human Genetics Tuebingen Variant Classification Criteria Version 2. Collection method: clinical testing. Allele origin: germline. Affected: yes. Observed: 2 variant alleles.
Comment: CACNA1H: BS2

Labcorp Genetics (formerly Invitae), Labcorp
Classification: Likely benign for Idiopathic generalized epilepsy; Hyperaldosteronism, familial, type IV. Last evaluated: 2026-01-22. Review status: criteria provided, single submitter. Criteria: Invitae Variant Classification Sherloc (09022015). Collection method: clinical testing. Allele origin: germline.

Blueprint Genetics
Classification: Likely benign. Last evaluated: 2024-11-01. Review status: criteria provided, single submitter. Criteria: ACMG Guidelines, 2015. Collection method: clinical testing. Allele origin: germline.

Eurofins Ntd Llc (ga)
Classification: Uncertain significance. Last evaluated: 2013-07-03. Review status: criteria provided, single submitter. Criteria: EGL Classification Definitions 2015. Collection method: clinical testing. Allele origin: germline. Observed: 1 variant allele, 1 heterozygote.

PreventionGenetics, part of Exact Sciences
Classification: Likely benign for CACNA1H-related condition. Last evaluated: 2022-05-02. Review status: no assertion criteria provided. Collection method: clinical testing. Allele origin: germline. Not counted in ClinVar's aggregate classification.
Comment: This variant is classified as likely benign based on ACMG/AMP sequence variant interpretation guidelines (Richards et al. 2015 PMID: 25741868, with internal and published modifications).

NM_021098.3(CACNA1H):c.1844C>T (p.Thr615Met)

Gene: CACNA1H (calcium voltage-gated channel subunit alpha1 H; plus strand). Cytogenetic location: 16p13.3.
Variant type: single nucleotide variant.
Coding change: c.1844C>T on transcript NM_021098.3 (MANE Select); coding-DNA position 1844, C replaced by T.
Protein change: p.Thr615Met; replaces threonine 615 with methionine.
Molecular consequence: missense variant.
Genome position (GRCh38, 1-based): chr16:1,202,294, C>T. VCF-style: chr16-1202294-C-T. GRCh37 (hg19) VCF-style: chr16-1252294-C-T.
Other names: c.1844C>T, p.Thr615Met (NM_001005407.2); short protein forms T615M.
Identifiers: ClinVar variation 96004 (VCV000096004.56), dbSNP rs368976749, ClinGen allele CA223616.